The following is an entry in ClinVar:

NM_000051.4(ATM):c.8207A>G (p.Asn2736Ser)

Genes: ATM (ATM serine/threonine kinase; plus strand), C11orf65 (chromosome 11 open reading frame 65; minus strand). Cytogenetic location: 11q22.3.
Variant type: single nucleotide variant.
Coding change: c.8207A>G on transcript NM_000051.4 (MANE Select); coding-DNA position 8207, A replaced by G.
Protein change: p.Asn2736Ser; replaces asparagine 2736 with serine.
Molecular consequence: missense variant. On other transcripts: intron variant (2).
Genome position (GRCh38, 1-based): chr11:108,335,900, A>G. VCF-style: chr11-108335900-A-G. GRCh37 (hg19) VCF-style: chr11-108206627-A-G.
Other names: c.8207A>G, p.Asn2736Ser (NM_001351834.2); c.641-26829T>C (NM_001330368.2); c.695-608T>C (NM_001351110.2); short protein forms N2736S.
Identifiers: ClinVar variation 453723 (VCV000453723.14), dbSNP rs1190456608, ClinGen allele CA382562577.

ClinVar aggregate classification (germline): Uncertain significance. Review status: criteria provided, multiple submitters, no conflicts (2 of 4 stars). 3 submissions from 3 submitters: Uncertain significance (3). Last evaluated 2024-11-11.

Conditions:
Hereditary cancer-predisposing syndrome. Also called: Neoplastic Syndromes, Hereditary; Hereditary Cancer Syndrome; Tumor predisposition; Hereditary neoplastic syndrome. Identifiers: Orphanet 140162, MedGen C0027672, MeSH D009386, MONDO:0015356.
Ataxia-telangiectasia syndrome (AT). Also called: LOUIS-BAR SYNDROME; Cerebello-oculocutaneous telangiectasia; Immunodeficiency with ataxia telangiectasia; Ataxia-telangiectasia, complementation group D; AT, COMPLEMENTATION GROUP C; Ataxia-telangiectasia, complementation group E. Identifiers: Orphanet 100, MedGen C0004135, MONDO:0008840, OMIM 208900.

Allele frequency attached by ClinVar (database versions not stated): TOPMed 0.00001; gnomAD exomes below 0.00001; gnomAD 0.00001.
gnomAD v4.1: 2 of 1,613,982 alleles (0.00012%); highest among the groups gnomAD compares: Non-Finnish European, 0.00017%; no homozygotes.

Submissions (3):

Labcorp Genetics (formerly Invitae), Labcorp
Classification: Uncertain significance for Ataxia-telangiectasia syndrome. Last evaluated: 2024-11-11. Review status: criteria provided, single submitter. Criteria: Invitae Variant Classification Sherloc (09022015). Collection method: clinical testing. Allele origin: germline.
Comment: This sequence change replaces asparagine, which is neutral and polar, with serine, which is neutral and polar, at codon 2736 of the ATM protein (p.Asn2736Ser). This variant is present in population databases (no rsID available, gnomAD 0.0009%). This variant has not been reported in the literature in individuals affected with ATM-related conditions. ClinVar contains an entry for this variant (Variation ID: 453723). Invitae Evidence Modeling of protein sequence and biophysical properties (such as structural, functional, and spatial information, amino acid conservation, physicochemical variation, residue mobility, and thermodynamic stability) has been performed for this missense variant. However, the output from this modeling did not meet the statistical confidence thresholds required to predict the impact of this variant on ATM protein function. In summary, the available evidence is currently insufficient to determine the role of this variant in disease. Therefore, it has been classified as a Variant of Uncertain Significance.

Ambry Genetics
Classification: Uncertain significance for Hereditary cancer-predisposing syndrome. Last evaluated: 2024-04-02. Review status: criteria provided, single submitter. Criteria: Ambry Variant Classification Scheme 2023. Collection method: clinical testing. Allele origin: germline.
Comment: The p.N2736S variant (also known as c.8207A>G), located in coding exon 55 of the ATM gene, results from an A to G substitution at nucleotide position 8207. The asparagine at codon 2736 is replaced by serine, an amino acid with highly similar properties. This amino acid position is well conserved in available vertebrate species. In addition, this alteration is predicted to be tolerated by in silico analysis. Since supporting evidence is limited at this time, the clinical significance of this alteration remains unclear.

GeneDx
Classification: Uncertain significance. Last evaluated: 2022-01-04. Review status: criteria provided, single submitter. Criteria: GeneDx Variant Classification Process June 2021. Collection method: clinical testing. Allele origin: germline. Affected: yes.
Comment: Not observed at significant frequency in large population cohorts (gnomAD); In silico analysis supports that this missense variant has a deleterious effect on protein structure/function; Observed in a pediatric patient with refractory cytopenia (Arias-Salgado 2019); This variant is associated with the following publications: (PMID: 30995915, 23532176)